The following is an entry in ClinVar:

ClinVar aggregate classification (germline): Uncertain significance (1 of 4 stars; one submission).

Conditions:
Diamond-Blackfan anemia. Also called: Blackfan Diamond syndrome; Aregenerative anemia chronic congenital; Red cell aplasia, pure hereditary; Congenital hypoplastic anemia; Aase syndrome. Identifiers: Orphanet 124, MedGen C1260899, MeSH D029503, MONDO:0015253, HP:0004810.

Submission:

Labcorp Genetics (formerly Invitae), Labcorp
Classification: Uncertain significance for Diamond-Blackfan anemia. Last evaluated: 2024-06-12. Review status: criteria provided, single submitter. Criteria: Invitae Variant Classification Sherloc (09022015). Collection method: clinical testing. Allele origin: germline.
Comment: This sequence change replaces alanine, which is neutral and non-polar, with threonine, which is neutral and polar, at codon 123 of the RPL26 protein (p.Ala123Thr). This variant is not present in population databases (gnomAD no frequency). This variant has not been reported in the literature in individuals affected with RPL26-related conditions. An algorithm developed to predict the effect of missense changes on protein structure and function (PolyPhen-2) suggests that this variant is likely to be tolerated. In summary, the available evidence is currently insufficient to determine the role of this variant in disease. Therefore, it has been classified as a Variant of Uncertain Significance.

NM_000987.5(RPL26):c.367G>A (p.Ala123Thr)

Gene: RPL26 (ribosomal protein L26; minus strand). Cytogenetic location: 17p13.1.
Variant type: single nucleotide variant.
Coding change: c.367G>A on transcript NM_000987.5 (MANE Select); coding-DNA position 367, G replaced by A.
Protein change: p.Ala123Thr; replaces alanine 123 with threonine.
Molecular consequence: missense variant.
Genome position (GRCh38, 1-based): chr17:8,377,635, C>T on the plus strand (G>A on the coding strand, the complement: RPL26 is on the minus strand). VCF-style: chr17-8377635-C-T. GRCh37 (hg19) VCF-style: chr17-8280953-C-T.
Other names: c.367G>A, p.Ala123Thr (NM_001315530.2, NM_001315531.2); short protein forms A123T.
Identifiers: ClinVar variation 3698309 (VCV003698309.2).